The following is an entry in ClinVar:

NM_058216.3(RAD51C):c.688del (p.Leu230fs)

Genes: RAD51C (RAD51 paralog C; plus strand), LOC129390903 (MPRA-validated peak2919 silencer; plus strand). Cytogenetic location: 17q22.
Variant type: Deletion.
Coding change: c.688del on transcript NM_058216.3 (MANE Select); coding-DNA position 688, one base deleted (C; older notation c.688delC).
Protein change: p.Leu230fs; shifts the reading frame from leucine 230.
Molecular consequence: frameshift variant. On other transcripts: non-coding transcript variant (1).
Genome position (GRCh38, 1-based): chr17:58,703,312, C deleted; the last of 2 consecutive C bases (chr17:58,703,311-58,703,312); deleting either gives the same sequence. VCF-style (leftmost placement, unchanged base first): chr17-58703310-TC-T. GRCh37 (hg19) VCF-style: chr17-56780671-TC-T.
Other names: short protein forms L230fs.
Identifiers: ClinVar variation 1401730 (VCV001401730.6), dbSNP rs2143801496, ClinGen allele CA2573154398.

ClinVar aggregate classification (germline): Pathogenic (1 of 4 stars; one submission).

Conditions:
Fanconi anemia complementation group O. Also called: RAD51C-Related Fanconi Anemia. Identifiers: Orphanet 84, MedGen C3150653, MONDO:0013248, OMIM 613390.

Submission:

Labcorp Genetics (formerly Invitae), Labcorp
Classification: Pathogenic for Fanconi anemia complementation group O. Last evaluated: 2025-05-27. Review status: criteria provided, single submitter. Criteria: Invitae Variant Classification Sherloc (09022015). Collection method: clinical testing. Allele origin: germline.
Comment: This sequence change creates a premature translational stop signal (p.Leu230Phefs*9) in the RAD51C gene. It is expected to result in an absent or disrupted protein product. Loss-of-function variants in RAD51C are known to be pathogenic (PMID: 20400964, 21990120, 24800917, 29278735). This variant is not present in population databases (gnomAD no frequency). This variant has not been reported in the literature in individuals affected with RAD51C-related conditions. ClinVar contains an entry for this variant (Variation ID: 1401730). For these reasons, this variant has been classified as Pathogenic.

Literature cited by the submitters: PubMed 20400964; PubMed 21990120; PubMed 24800917; PubMed 29278735.